The following is an entry in ClinVar:

ClinVar aggregate classification (germline): Uncertain significance (1 of 4 stars; one submission).

Submission:

Labcorp Genetics (formerly Invitae), Labcorp
Classification: Uncertain significance. Last evaluated: 2022-10-09. Review status: criteria provided, single submitter. Criteria: Invitae Variant Classification Sherloc (09022015). Collection method: clinical testing. Allele origin: germline.
Comment: This variant has not been reported in the literature in individuals affected with SCN3A-related conditions. This sequence change replaces serine, which is neutral and polar, with glycine, which is neutral and non-polar, at codon 561 of the SCN3A protein (p.Ser561Gly). This variant is not present in population databases (gnomAD no frequency). Algorithms developed to predict the effect of missense changes on protein structure and function (SIFT, PolyPhen-2, Align-GVGD) all suggest that this variant is likely to be disruptive. In summary, the available evidence is currently insufficient to determine the role of this variant in disease. Therefore, it has been classified as a Variant of Uncertain Significance.

NM_006922.4(SCN3A):c.1681A>G (p.Ser561Gly)

Gene: SCN3A (sodium voltage-gated channel alpha subunit 3; minus strand). Cytogenetic location: 2q24.3.
Variant type: single nucleotide variant.
Coding change: c.1681A>G on transcript NM_006922.4 (MANE Select); coding-DNA position 1681, A replaced by G.
Protein change: p.Ser561Gly; replaces serine 561 with glycine.
Molecular consequence: missense variant.
Genome position (GRCh38, 1-based): chr2:165,140,989, T>C on the plus strand (A>G on the coding strand, the complement: SCN3A is on the minus strand). VCF-style: chr2-165140989-T-C. GRCh37 (hg19) VCF-style: chr2-165997499-T-C.
Other names: c.1681A>G, p.Ser561Gly (NM_001081676.2, NM_001081677.2); short protein forms S561G.
Identifiers: ClinVar variation 1721362 (VCV001721362.5), dbSNP rs2468326258, ClinGen allele CA349047243.